The following is an entry in ClinVar:

NM_001253697.2(ERBIN):c.3994C>T (p.Leu1332Phe)

Gene: ERBIN (erbb2 interacting protein; plus strand). Cytogenetic location: 5q12.3.
Variant type: single nucleotide variant.
Coding change: c.3994C>T on transcript NM_001253697.2 (MANE Select); coding-DNA position 3994, C replaced by T.
Protein change: p.Leu1332Phe; replaces leucine 1332 with phenylalanine.
Molecular consequence: missense variant.
Genome position (GRCh38, 1-based): chr5:66,076,346, C>T. VCF-style: chr5-66076346-C-T. GRCh37 (hg19) VCF-style: chr5-65372174-C-T.
Other names: c.3664C>T, p.Leu1222Phe (NM_001006600.3); c.3871C>T, p.Leu1291Phe (NM_001253698.2, NM_018695.4); c.4015C>T, p.Leu1339Phe (NM_001253699.2); c.3859C>T, p.Leu1287Phe (NM_001253701.2); short protein forms L1222F, L1287F, L1291F, L1332F, L1339F.
Identifiers: ClinVar variation 3624702 (VCV003624702.2).
Genomic context (GRCh38, chr5:66,076,346, plus strand): 5'-TAAGTTTCCTTTATTTTCATATTAACTCAGATTCGAGTGAGGGTTGAAAAGGATCCAGAA[C>T]TTGGATTTAGCATATCAGGTGGTGTCGGGGGTAGAGGAAACCCATTCAGACCTGATGATG-3'
Protein context (NP_001240626.1, residues 1322-1342): IRVRVEKDPE[Leu1332Phe]GFSISGGVGG

ClinVar aggregate classification (germline): Uncertain significance (1 of 4 stars; one submission).

gnomAD v4.1: 20 of 1,613,382 alleles (0.0012%); highest among the groups gnomAD compares: Non-Finnish European, 0.0015%; no homozygotes.

Submission:

Labcorp Genetics (formerly Invitae), Labcorp
Classification: Uncertain significance. Last evaluated: 2024-04-25. Review status: criteria provided, single submitter. Criteria: Invitae Variant Classification Sherloc (09022015). Collection method: clinical testing. Allele origin: germline.
Comment: This sequence change replaces leucine, which is neutral and non-polar, with phenylalanine, which is neutral and non-polar, at codon 1332 of the ERBIN protein (p.Leu1332Phe). This variant is present in population databases (rs768090890, gnomAD 0.007%). This variant has not been reported in the literature in individuals affected with ERBIN-related conditions. An algorithm developed to predict the effect of missense changes on protein structure and function (PolyPhen-2) suggests that this variant is likely to be disruptive. In summary, the available evidence is currently insufficient to determine the role of this variant in disease. Therefore, it has been classified as a Variant of Uncertain Significance.